The following is an entry in ClinVar:

ClinVar aggregate classification (germline): Likely benign. Review status: criteria provided, multiple submitters, no conflicts (2 of 4 stars). 2 submissions from 2 submitters: Likely benign (2). Last evaluated 2024-06-03.

Conditions:
Familial cancer of breast. Also called: BREAST CANCER, FAMILIAL; Hereditary breast cancer; hereditary breast carcinoma. Identifiers: Orphanet 227535, MedGen C0346153, MONDO:0016419, OMIM 114480. Disease mechanism: loss of function.
Ataxia-telangiectasia syndrome (AT). Also called: LOUIS-BAR SYNDROME; Cerebello-oculocutaneous telangiectasia; Immunodeficiency with ataxia telangiectasia; Ataxia telangiectasia (A-T); Ataxia-telangiectasia, complementation group D; AT, COMPLEMENTATION GROUP C. Identifiers: Orphanet 100, MedGen C0004135, MONDO:0008840, OMIM 208900.

Allele frequency attached by ClinVar (database versions not stated): TOPMed below 0.00001; gnomAD 0.00001.
gnomAD v4.1: 2 of 1,609,402 alleles (0.00012%); highest among the groups gnomAD compares: African/African-American, 0.0027%; no homozygotes.

Submissions (2):

Myriad Genetics, Inc.
Classification: Likely benign for Familial cancer of breast. Last evaluated: 2024-06-03. Review status: criteria provided, single submitter. Criteria: Myriad Autosomal Dominant, Autosomal Recessive and X-Linked Classification Criteria (2023). Collection method: clinical testing. Allele origin: unknown.
Comment: This variant is considered likely benign. This variant is intronic and is not expected to impact mRNA splicing.

Labcorp Genetics (formerly Invitae), Labcorp
Classification: Likely benign for Ataxia-telangiectasia syndrome. Last evaluated: 2024-04-29. Review status: criteria provided, single submitter. Criteria: Invitae Variant Classification Sherloc (09022015). Collection method: clinical testing. Allele origin: germline.

NM_000051.4(ATM):c.6095+9C>A

Genes: ATM (ATM serine/threonine kinase; plus strand), C11orf65 (chromosome 11 open reading frame 65; minus strand). Cytogenetic location: 11q22.3.
Variant type: single nucleotide variant.
Coding change: c.6095+9C>A on transcript NM_000051.4 (MANE Select); 9 bases into the intron after coding-DNA position 6095, C replaced by A.
Molecular consequence: intron variant.
Genome position (GRCh38, 1-based): chr11:108,315,920, C>A. VCF-style: chr11-108315920-C-A. GRCh37 (hg19) VCF-style: chr11-108186647-C-A.
Other names: c.6095+9C>A (NM_001351834.2); c.641-6849G>T (NM_001330368.2); c.*39-6849G>T (NM_001351110.2).
Identifiers: ClinVar variation 2733540 (VCV002733540.4), dbSNP rs768737262, ClinGen allele CA942021806.